The following is an entry in ClinVar:

ClinVar aggregate classification (germline): Uncertain significance (1 of 4 stars; one submission).

Conditions:
Hereditary cancer-predisposing syndrome. Also called: Neoplastic Syndromes, Hereditary; Tumor predisposition; Hereditary Cancer Syndrome; Hereditary neoplastic syndrome. Identifiers: Orphanet 140162, MedGen C0027672, MeSH D009386, MONDO:0015356.

Submission:

Ambry Genetics
Classification: Uncertain significance for Hereditary cancer-predisposing syndrome. Last evaluated: 2026-05-23. Review status: criteria provided, single submitter. Criteria: Ambry Variant Classification Scheme 2023. Collection method: clinical testing. Allele origin: germline.
Comment: The p.L842P variant (also known as c.2525T>C), located in coding exon 11 of the BLM gene, results from a T to C substitution at nucleotide position 2525. The leucine at codon 842 is replaced by proline, an amino acid with similar properties. This amino acid position is conserved. In addition, this alteration is predicted to be deleterious by in silico analysis. Based on the available evidence, the clinical significance of this variant remains unclear.

NM_000057.4(BLM):c.2525T>C (p.Leu842Pro)

Gene: BLM (BLM RecQ like helicase; plus strand). Cytogenetic location: 15q26.1.
Variant type: single nucleotide variant.
Coding change: c.2525T>C on transcript NM_000057.4 (MANE Select); coding-DNA position 2525, T replaced by C.
Protein change: p.Leu842Pro; replaces leucine 842 with proline.
Molecular consequence: missense variant.
Genome position (GRCh38, 1-based): chr15:90,769,556, T>C. VCF-style: chr15-90769556-T-C. GRCh37 (hg19) VCF-style: chr15-91312786-T-C.
Other names: c.2525T>C, p.Leu842Pro (NM_001287246.2, NM_001287247.2); c.1400T>C, p.Leu467Pro (NM_001287248.2); short protein forms L467P, L842P.
Identifiers: ClinVar variation 4867513 (VCV004867513.1).